The following is an entry in ClinVar:

NM_001378454.1(ALMS1):c.1064A>G (p.Gln355Arg)

Gene: ALMS1 (ALMS1 centrosome and basal body associated protein; plus strand). Cytogenetic location: 2p13.1.
Variant type: single nucleotide variant.
Coding change: c.1064A>G on transcript NM_001378454.1 (MANE Select); coding-DNA position 1064, A replaced by G.
Protein change: p.Gln355Arg; replaces glutamine 355 with arginine.
Molecular consequence: missense variant.
Genome position (GRCh38, 1-based): chr2:73,424,729, A>G. VCF-style: chr2-73424729-A-G. GRCh37 (hg19) VCF-style: chr2-73651857-A-G.
Other names: c.1067A>G, p.Gln356Arg (NM_015120.4); short protein forms Q356R, Q355R.
Identifiers: ClinVar variation 2131171 (VCV002131171.6), dbSNP rs1671346012, ClinGen allele CA347261414.

ClinVar aggregate classification (germline): Uncertain significance. Review status: criteria provided, multiple submitters, no conflicts (2 of 4 stars). 2 submissions from 2 submitters: Uncertain significance (2). Last evaluated 2023-03-13.

Conditions:
Cardiovascular phenotype. Identifiers: MedGen CN230736.
Alstrom syndrome (ALMS). Identifiers: Orphanet 64, MedGen C0268425, MONDO:0008763, OMIM 203800.

Allele frequency attached by ClinVar (database versions not stated): TOPMed below 0.00001.

Submissions (2):

Ambry Genetics
Classification: Uncertain significance for Cardiovascular phenotype. Last evaluated: 2023-03-13. Review status: criteria provided, single submitter. Criteria: Ambry Variant Classification Scheme 2023. Collection method: clinical testing. Allele origin: germline.
Comment: The p.Q356R variant (also known as c.1067A>G), located in coding exon 5 of the ALMS1 gene, results from an A to G substitution at nucleotide position 1067. The glutamine at codon 356 is replaced by arginine, an amino acid with highly similar properties. This amino acid position is well conserved in available vertebrate species. In addition, this alteration is predicted to be tolerated by in silico analysis. Since supporting evidence is limited at this time, the clinical significance of this alteration remains unclear.

Labcorp Genetics (formerly Invitae), Labcorp
Classification: Uncertain significance for Alstrom syndrome. Last evaluated: 2022-04-28. Review status: criteria provided, single submitter. Criteria: Invitae Variant Classification Sherloc (09022015). Collection method: clinical testing. Allele origin: germline.
Comment: In summary, the available evidence is currently insufficient to determine the role of this variant in disease. Therefore, it has been classified as a Variant of Uncertain Significance. This variant is not present in population databases (gnomAD no frequency). Experimental studies and prediction algorithms are not available or were not evaluated, and the functional significance of this variant is currently unknown. This variant has not been reported in the literature in individuals affected with ALMS1-related conditions. This sequence change replaces glutamine, which is neutral and polar, with arginine, which is basic and polar, at codon 356 of the ALMS1 protein (p.Gln356Arg).